The following is an entry in ClinVar:

ClinVar aggregate classification (germline): Likely benign (1 of 4 stars; one submission).

Conditions:
PKHD1-related disorder. Also called: PKHD1-related condition.

gnomAD v4.1: 8 of 1,602,560 alleles (0.0005%); highest among the groups gnomAD compares: Non-Finnish European, 0.00068%; no homozygotes.

Submission:

PreventionGenetics, part of Exact Sciences
Classification: Likely benign for PKHD1-related condition. Last evaluated: 2026-05-28. Review status: criteria provided, single submitter. Criteria: ACMG Guidelines, 2015. Collection method: clinical testing. Allele origin: germline.
Comment: This variant is classified as likely benign based on ACMG/AMP sequence variant interpretation guidelines (Richards et al. 2015 PMID: 25741868, with internal and published modifications).

NM_138694.4(PKHD1):c.2822-10C>T

Gene: PKHD1 (PKHD1 ciliary IPT domain containing fibrocystin/polyductin; minus strand). Cytogenetic location: 6p12.2.
Variant type: single nucleotide variant.
Coding change: c.2822-10C>T on transcript NM_138694.4 (MANE Select); 10 bases into the intron before coding-DNA position 2822, C replaced by T.
Molecular consequence: intron variant.
Genome position (GRCh38, 1-based): chr6:52,043,144, G>A on the plus strand (C>T on the coding strand, the complement: PKHD1 is on the minus strand). VCF-style: chr6-52043144-G-A. GRCh37 (hg19) VCF-style: chr6-51907942-G-A.
Other names: c.2822-10C>T (NM_170724.3).
Identifiers: ClinVar variation 4982321 (VCV004982321.1).